The following is an entry in ClinVar:

ClinVar aggregate classification (germline): Uncertain significance. Review status: criteria provided, multiple submitters, no conflicts (2 of 4 stars). 3 submissions from 3 submitters: Uncertain significance (3). Last evaluated 2022-04-20.

Conditions:
Fanconi anemia (FA). Also called: Fanconi's anemia. Identifiers: Orphanet 84, MedGen C0015625, MeSH D005199, MONDO:0019391.
Fanconi anemia complementation group A (FANCA). Also called: Fanconi anemia, group A; FANCA-Related Fanconi Anemia. Identifiers: Orphanet 84, MedGen C3469521, MONDO:0009215, OMIM 227650.

Allele frequency attached by ClinVar (database versions not stated): gnomAD exomes below 0.00001 and 0.00001; gnomAD 0.00001; ExAC 0.00002; ESP Exome Variant Server 0.00008.
gnomAD v4.1: 21 of 1,614,070 alleles (0.0013%); highest among the groups gnomAD compares: Non-Finnish European, 0.0017%; no homozygotes.

Submissions (3):

Fulgent Genetics
Classification: Uncertain significance for Fanconi anemia complementation group A. Last evaluated: 2022-04-20. Review status: criteria provided, single submitter. Criteria: ACMG Guidelines, 2015. Collection method: clinical testing. Allele origin: unknown.

Labcorp Genetics (formerly Invitae), Labcorp
Classification: Uncertain significance for Fanconi anemia. Last evaluated: 2022-02-11. Review status: criteria provided, single submitter. Criteria: Invitae Variant Classification Sherloc (09022015). Collection method: clinical testing. Allele origin: germline.
Comment: This sequence change replaces threonine, which is neutral and polar, with methionine, which is neutral and non-polar, at codon 306 of the FANCA protein (p.Thr306Met). This variant is present in population databases (rs370852532, gnomAD 0.002%). This variant has not been reported in the literature in individuals affected with FANCA-related conditions. ClinVar contains an entry for this variant (Variation ID: 1319243). Advanced modeling of protein sequence and biophysical properties (such as structural, functional, and spatial information, amino acid conservation, physicochemical variation, residue mobility, and thermodynamic stability) performed at Invitae indicates that this missense variant is not expected to disrupt FANCA protein function. In summary, the available evidence is currently insufficient to determine the role of this variant in disease. Therefore, it has been classified as a Variant of Uncertain Significance.

Institute for Clinical Genetics, University Hospital TU Dresden, University Hospital TU Dresden
Classification: Uncertain significance. Last evaluated: 2021-11-03. Review status: criteria provided, single submitter. Criteria: ACMG Guidelines, 2015. Collection method: clinical testing. Allele origin: germline.

NM_000135.4(FANCA):c.917C>T (p.Thr306Met)

Gene: FANCA (FA complementation group A; minus strand). Cytogenetic location: 16q24.3.
Variant type: single nucleotide variant.
Coding change: c.917C>T on transcript NM_000135.4 (MANE Select); coding-DNA position 917, C replaced by T.
Protein change: p.Thr306Met; replaces threonine 306 with methionine.
Molecular consequence: missense variant.
Genome position (GRCh38, 1-based): chr16:89,795,995, G>A on the plus strand (C>T on the coding strand, the complement: FANCA is on the minus strand). VCF-style: chr16-89795995-G-A. GRCh37 (hg19) VCF-style: chr16-89862403-G-A.
Other names: c.917C>T, p.Thr306Met (NM_001286167.3); short protein forms T306M.
Identifiers: ClinVar variation 1319243 (VCV001319243.8), dbSNP rs370852532, ClinGen allele CA8252629.